The following is an entry in ClinVar:

NM_000053.4(ATP7B):c.3301_3302insCCAGGCAGTGCCAG (p.Gly1101fs)

Gene: ATP7B (ATPase copper transporting beta; minus strand). Cytogenetic location: 13q14.3.
Variant type: Insertion.
Coding change: c.3301_3302insCCAGGCAGTGCCAG on transcript NM_000053.4 (MANE Select); coding-DNA positions 3301 to 3302, CCAGGCAGTGCCAG inserted.
Protein change: p.Gly1101fs; shifts the reading frame from glycine 1101.
Molecular consequence: frameshift variant.
Genome position: GRCh38 VCF-style: chr13-51942496-C-CCTGGCACTGCCTGG. GRCh37 (hg19) VCF-style: chr13-52516632-C-CCTGGCACTGCCTGG.
Other names: c.2680_2681insCCAGGCAGTGCCAG, p.Gly894fs (NM_001005918.3); c.2968_2969insCCAGGCAGTGCCAG, p.Gly990fs (NM_001243182.2); c.3067_3068insCCAGGCAGTGCCAG, p.Gly1023fs (NM_001330578.2); c.3049_3050insCCAGGCAGTGCCAG, p.Gly1017fs (NM_001330579.2); short protein forms G894fs, G990fs, G1017fs, G1023fs, G1101fs.
Identifiers: ClinVar variation 632665 (VCV000632665.1), dbSNP rs1566468784, ClinGen allele CA913190607.

ClinVar aggregate classification (germline): Likely pathogenic (1 of 4 stars; one submission).

Conditions:
Wilson disease (WND). Also called: Wilson's disease. Identifiers: Orphanet 905, MedGen C0019202, MONDO:0010200, OMIM 277900. Disease mechanism: loss of function.

Submission:

Women's Health and Genetics/Laboratory Corporation of America, LabCorp
Classification: Likely pathogenic for Wilson disease. Last evaluated: 2018-08-15. Review status: criteria provided, single submitter. Criteria: LabCorp Variant Classification Summary - May 2015. Collection method: clinical testing. Allele origin: germline.
Comment: Variant summary: ATP7B c.3301_3302ins14 (p.Gly1101AlafsX25), where in the inserted sequence is CCAGGCAGTGCCAG, results in a premature termination codon, predicted to cause a truncation of the encoded protein or absence of the protein due to nonsense mediated decay, which are commonly known mechanisms for disease. Truncations downstream of this position have been classified as pathogenic by our laboratory (e.g., p.Ala1135fsX13 and p.Arg1319X). The variant was absent in 246242 control chromosomes. To our knowledge, no occurrence of c.3301_3302ins14 in individuals affected with Wilson Disease and no experimental evidence demonstrating its impact on protein function have been reported. No clinical diagnostic laboratories have submitted clinical-significance assessments for this variant to ClinVar after 2014. Based on the evidence outlined above, the variant was classified as likely pathogenic.